The following is an entry in ClinVar:

NM_000240.4(MAOA):c.95T>C (p.Leu32Ser)

Gene: MAOA (monoamine oxidase A; plus strand). Cytogenetic location: Xp11.3.
Variant type: single nucleotide variant.
Coding change: c.95T>C on transcript NM_000240.4 (MANE Select); coding-DNA position 95, T replaced by C.
Protein change: p.Leu32Ser; replaces leucine 32 with serine.
Molecular consequence: missense variant. On other transcripts: 5 prime UTR variant (1).
Genome position (GRCh38, 1-based): chrX:43,683,534, T>C. VCF-style: chrX-43683534-T-C. GRCh37 (hg19) VCF-style: chrX-43542782-T-C.
Other names: c.-305T>C (NM_001270458.2); short protein forms L32S.
Identifiers: ClinVar variation 429999 (VCV000429999.2), dbSNP rs1131691720, ClinGen allele CA413004284.
Genomic context (GRCh38, chrX:43,683,534, plus strand): 5'-ATTTGAATGTTACGTTGCTCTTTTTTGTTTTTCCTTTAGGACTATCTGCTGCCAAACTCT[T>C]GACTGAATATGGCGTTAGTGTTTTGGTTTTAGAAGCTCGGGACAGGGTTGGAGGAAGAAC-3'
Protein context (NP_000231.1, residues 22-42): GISGLSAAKL[Leu32Ser]TEYGVSVLVL

ClinVar aggregate classification (germline): Uncertain significance (1 of 4 stars; one submission).

Submission:

GeneDx
Classification: Uncertain significance. Last evaluated: 2018-08-15. Review status: criteria provided, single submitter. Criteria: GeneDx Variant Classification (06012015). Collection method: clinical testing. Allele origin: germline. Affected: yes.
Comment: A variant of uncertain significance has been identified in the MAOA gene. The L32S variant has not been published as a pathogenic variant, nor has it been reported as a benign variant to our knowledge. The L32S variant is not observed in large population cohorts (Lek et al., 2016; 1000 Genomes Consortium et al., 2015; Exome Variant Server). The L32S variant is a non-conservative amino acid substitution, which is likely to impact secondary protein structure as these residues differ in polarity, charge, size and/or other properties. This substitution occurs at a position that is conserved across species, and in silico analysis predicts this variant is probably damaging to the protein structure/function. Based on the currently available information, it is unclear whether this variant is a pathogenic variant or a rare benign variant.